The following is an entry in ClinVar:

NM_001163435.3(TBCK):c.2660C>T (p.Thr887Ile)

Gene: TBCK (TBC1 domain containing kinase; minus strand). Cytogenetic location: 4q24.
Variant type: single nucleotide variant.
Coding change: c.2660C>T on transcript NM_001163435.3 (MANE Select); coding-DNA position 2660, C replaced by T.
Protein change: p.Thr887Ile; replaces threonine 887 with isoleucine.
Molecular consequence: missense variant.
Genome position (GRCh38, 1-based): chr4:106,046,592, G>A on the plus strand (C>T on the coding strand, the complement: TBCK is on the minus strand). VCF-style: chr4-106046592-G-A. GRCh37 (hg19) VCF-style: chr4-106967749-G-A.
Other names: c.2660C>T, p.Thr887Ile (NM_001163436.4); c.2543C>T, p.Thr848Ile (NM_001163437.3); c.2144C>T, p.Thr715Ile (NM_001290768.2); c.2471C>T, p.Thr824Ile (NM_033115.5); short protein forms T715I, T887I, T824I, T848I.
Identifiers: ClinVar variation 736370 (VCV000736370.12), dbSNP rs564746642, ClinGen allele CA3034658.

ClinVar aggregate classification (germline): Benign. Review status: criteria provided, multiple submitters, no conflicts (2 of 4 stars). 3 submissions from 3 submitters: Benign (3). Last evaluated 2026-06-01.

Conditions:
TBCK-related disorder. Also called: TBCK-related condition; TBCK-related disorders.

Allele frequency attached by ClinVar (database versions not stated): gnomAD 0.00001 and 0.00033; TOPMed 0.00007; gnomAD exomes 0.00086 and 0.00168; 1000 Genomes Project 0.00160; 1000 Genomes Project 30x 0.00172; ExAC 0.00185.
gnomAD v4.1: 1,266 of 1,605,770 alleles (0.079%); highest among the groups gnomAD compares: South Asian, 1.4%; 25 homozygotes.

Submissions (3):

CeGaT Center for Human Genetics Tuebingen
Classification: Benign. Last evaluated: 2026-06-01. Review status: criteria provided, single submitter. Criteria: CeGaT Center For Human Genetics Tuebingen Variant Classification Criteria Version 2. Collection method: clinical testing. Allele origin: germline. Affected: yes. Observed: 2 variant alleles.
Comment: TBCK: PP2, BS1, BS2

Labcorp Genetics (formerly Invitae), Labcorp
Classification: Benign. Last evaluated: 2025-12-09. Review status: criteria provided, single submitter. Criteria: Invitae Variant Classification Sherloc (09022015). Collection method: clinical testing. Allele origin: germline.

PreventionGenetics, part of Exact Sciences
Classification: Benign for TBCK-related condition. Last evaluated: 2025-05-13. Review status: criteria provided, single submitter. Criteria: ACMG Guidelines, 2015. Collection method: clinical testing. Allele origin: germline.
Comment: This variant is classified as benign based on ACMG/AMP sequence variant interpretation guidelines (Richards et al. 2015 PMID: 25741868, with internal and published modifications).